The following is an entry in ClinVar:

NM_000038.6(APC):c.4333del (p.Thr1445fs)

Gene: APC (APC regulator of Wnt signaling pathway; plus strand). Cytogenetic location: 5q22.2.
Variant type: Deletion.
Coding change: c.4333del on transcript NM_000038.6 (MANE Select); coding-DNA position 4333, one base deleted (A; older notation c.4333delA).
Protein change: p.Thr1445fs; shifts the reading frame from threonine 1445.
Molecular consequence: frameshift variant. On other transcripts: non-coding transcript variant (2).
Genome position (GRCh38, 1-based): chr5:112,839,927, A deleted; the last of 3 consecutive A bases (chr5:112,839,925-112,839,927); deleting any one gives the same sequence. VCF-style (leftmost placement, unchanged base first): chr5-112839924-CA-C. GRCh37 (hg19) VCF-style: chr5-112175621-CA-C.
Other names: c.4333del, p.Thr1445fs (NM_001127510.3, NM_001354895.2, NM_001407450.1); c.4279del, p.Thr1427fs (NM_001127511.3); c.4387del, p.Thr1463fs (NM_001354896.2, NM_001407447.1, NM_001407448.1 and 1 more transcripts); c.4363del, p.Thr1455fs (NM_001354897.2); c.4258del, p.Thr1420fs (NM_001354898.2); c.4249del, p.Thr1417fs (NM_001354899.2); c.4210del, p.Thr1404fs (NM_001354900.2); c.4156del, p.Thr1386fs (NM_001354901.2, NM_001407453.1); and 11 more; short protein forms T1061fs, T1162fs, T1285fs, T1316fs, T1319fs, T1344fs, T1354fs, T1362fs.
Identifiers: ClinVar variation 2583778 (VCV002583778.1), dbSNP rs2149911981, ClinGen allele CA445964488.

ClinVar aggregate classification (germline): Pathogenic (1 of 4 stars; one submission).

Conditions:
Familial adenomatous polyposis 1 (FAP1). Also called: FAMILIAL ADENOMATOUS POLYPOSIS 1, ATTENUATED; POLYPOSIS, ADENOMATOUS INTESTINAL. Identifiers: MedGen C2713442, MONDO:0021056, OMIM 175100. Disease mechanism: loss of function.

Submission:

Myriad Genetics, Inc.
Classification: Pathogenic for Familial adenomatous polyposis 1. Last evaluated: 2023-05-10. Review status: criteria provided, single submitter. Criteria: Myriad Autosomal Dominant, Autosomal Recessive and X-Linked Classification Criteria (2023). Collection method: clinical testing. Allele origin: unknown.
Comment: This variant is considered pathogenic. This variant creates a frameshift predicted to result in premature protein truncation.